The following is an entry in ClinVar:

ClinVar aggregate classification (germline): Uncertain significance (1 of 4 stars; one submission).

Conditions:
Cataract 14 multiple types. Also called: CATARACT 14, ZONULAR PULVERULENT; CATARACT 14, NUCLEAR PULVERULENT; CATARACT 14, NUCLEAR PULVERULENT AND POSTERIOR POLAR; CATARACT 14, NUCLEAR CORALLIFORM; CATARACT 14, EMBRYONAL NUCLEAR; CATARACT 14, COPPOCK-LIKE. Identifiers: Orphanet 91492, MedGen C1866078, MONDO:0011162, OMIM 601885.

Submission:

3billion
Classification: Uncertain significance for Cataract 14 multiple types. Last evaluated: 2024-01-06. Review status: criteria provided, single submitter. Criteria: ACMG Guidelines, 2015. Collection method: clinical testing. Allele origin: germline. Affected: yes.
Comment: The variant is not observed in the gnomAD v2.1.1 dataset. Predicted Consequence/Location: Missense changes are a common disease-causing mechanism. In silico tool predictions suggest damaging effect of the variant on gene or gene product [REVEL: 0.98 (>=0.6, sensitivity 0.68 and specificity 0.92); 3Cnet: 0.95 (>=0.6, sensitivity 0.72 and precision 0.9)]. A different missense change at the same codon (p.Thr19Met) has been reported to be associated with GJA3-related disorder (ClinVar ID: VCV000252944 /PMID: 21031021). However, the evidence of pathogenicity is insufficient at this time. Therefore, this variant is classified as VUS according to the recommendation of ACMG/AMP guideline.

Literature cited by the submitters: PubMed 21031021.

NM_021954.4(GJA3):c.55A>C (p.Thr19Pro)

Gene: GJA3 (gap junction protein alpha 3; minus strand). Cytogenetic location: 13q12.11.
Variant type: single nucleotide variant.
Coding change: c.55A>C on transcript NM_021954.4 (MANE Select); coding-DNA position 55, A replaced by C.
Protein change: p.Thr19Pro; replaces threonine 19 with proline.
Molecular consequence: missense variant.
Genome position (GRCh38, 1-based): chr13:20,143,234, T>G on the plus strand (A>C on the coding strand, the complement: GJA3 is on the minus strand). VCF-style: chr13-20143234-T-G. GRCh37 (hg19) VCF-style: chr13-20717373-T-G.
Other names: short protein forms T19P.
Identifiers: ClinVar variation 3775386 (VCV003775386.1).